The following is an entry in ClinVar:

ClinVar aggregate classification (germline): Uncertain significance (1 of 4 stars; one submission).

Conditions:
Multiple endocrine neoplasia, type 1 (MEN1). Also called: MEN I; WERMER SYNDROME; Endocrine adenomatosis multiple; MEN 1; MEA I. Identifiers: Orphanet 652, MedGen C0025267, MeSH D018761, MONDO:0007540, OMIM 131100.

Submission:

Labcorp Genetics (formerly Invitae), Labcorp
Classification: Uncertain significance for Multiple endocrine neoplasia, type 1. Last evaluated: 2025-07-31. Review status: criteria provided, single submitter. Criteria: Invitae Variant Classification Sherloc (09022015). Collection method: clinical testing. Allele origin: germline.
Comment: This sequence change replaces alanine, which is neutral and non-polar, with serine, which is neutral and polar, at codon 385 of the MEN1 protein (p.Ala385Ser). This variant is not present in population databases (gnomAD no frequency). This variant has not been reported in the literature in individuals affected with MEN1-related conditions. ClinVar contains an entry for this variant (Variation ID: 3696581). Invitae Evidence Modeling of protein sequence and biophysical properties (such as structural, functional, and spatial information, amino acid conservation, physicochemical variation, residue mobility, and thermodynamic stability) indicates that this missense variant is expected to disrupt MEN1 protein function with a positive predictive value of 80%. In summary, the available evidence is currently insufficient to determine the role of this variant in disease. Therefore, it has been classified as a Variant of Uncertain Significance.

NM_001370259.2(MEN1):c.1153G>T (p.Ala385Ser)

Gene: MEN1 (menin 1; minus strand). Cytogenetic location: 11q13.1.
Variant type: single nucleotide variant.
Coding change: c.1153G>T on transcript NM_001370259.2 (MANE Select); coding-DNA position 1153, G replaced by T.
Protein change: p.Ala385Ser; replaces alanine 385 with serine.
Molecular consequence: missense variant. On other transcripts: non-coding transcript variant (4).
Genome position (GRCh38, 1-based): chr11:64,805,667, C>A on the plus strand (G>T on the coding strand, the complement: MEN1 is on the minus strand). VCF-style: chr11-64805667-C-A. GRCh37 (hg19) VCF-style: chr11-64573139-C-A.
Other names: c.1153G>T, p.Ala385Ser (NM_001370260.2, NM_001370261.2, NM_001407146.1 and 3 more transcripts); c.1048G>T, p.Ala350Ser (NM_001370262.2, NM_001370263.2, NM_001407148.1 and 1 more transcripts); c.1279G>T, p.Ala427Ser (NM_001407142.1, NM_001407143.1, NM_001407144.1 and 1 more transcripts); c.1168G>T, p.Ala390Ser (NM_001407145.1, NM_130802.3, NM_130803.3 and 4 more transcripts); c.1294G>T, p.Ala432Ser (NM_001407150.1); c.1174G>T, p.Ala392Ser (NM_001407151.1); short protein forms A390S, A427S, A392S, A432S, A350S, A385S.
Identifiers: ClinVar variation 3696581 (VCV003696581.2).